The following is an entry in ClinVar:

NM_000257.4(MYH7):c.5655+4A>G

Gene: MYH7 (myosin heavy chain 7; minus strand). Cytogenetic location: 14q11.2.
Variant type: single nucleotide variant.
Coding change: c.5655+4A>G on transcript NM_000257.4 (MANE Select); 4 bases into the intron after coding-DNA position 5655, A replaced by G.
Molecular consequence: intron variant.
Genome position (GRCh38, 1-based): chr14:23,414,003, T>C on the plus strand (A>G on the coding strand, the complement: MYH7 is on the minus strand). VCF-style: chr14-23414003-T-C. GRCh37 (hg19) VCF-style: chr14-23883212-T-C.
Identifiers: ClinVar variation 576304 (VCV000576304.9), dbSNP rs1566521603, ClinGen allele CA891844053.

ClinVar aggregate classification (germline): Uncertain significance (1 of 4 stars; one submission).

Conditions:
Hypertrophic cardiomyopathy. Also called: HYPERTROPHIC MYOCARDIOPATHY. Identifiers: Orphanet 217569, MedGen C0007194, MeSH D002312, MONDO:0005045, HP:0001639.

Submission:

Labcorp Genetics (formerly Invitae), Labcorp
Classification: Uncertain significance for Hypertrophic cardiomyopathy. Last evaluated: 2024-07-26. Review status: criteria provided, single submitter. Criteria: Invitae Variant Classification Sherloc (09022015). Collection method: clinical testing. Allele origin: germline.
Comment: This sequence change falls in intron 38 of the MYH7 gene. It does not directly change the encoded amino acid sequence of the MYH7 protein. It affects a nucleotide within the consensus splice site. This variant is not present in population databases (gnomAD no frequency). This variant has not been reported in the literature in individuals affected with MYH7-related conditions. ClinVar contains an entry for this variant (Variation ID: 576304). Variants that disrupt the consensus splice site are a relatively common cause of aberrant splicing (PMID: 17576681, 9536098). Algorithms developed to predict the effect of sequence changes on RNA splicing suggest that this variant is not likely to affect RNA splicing. In summary, the available evidence is currently insufficient to determine the role of this variant in disease. Therefore, it has been classified as a Variant of Uncertain Significance.

Literature cited by the submitters: PubMed 17576681; PubMed 9536098.